The following is an entry in ClinVar:

ClinVar aggregate classification (germline): Uncertain significance. Review status: criteria provided, multiple submitters, no conflicts (2 of 4 stars). 10 submissions from 10 submitters: Uncertain significance (8). 2 of the submissions do not count toward it. Last evaluated 2026-06-01.

Conditions:
Familial pancreatic carcinoma. Identifiers: Orphanet 1333, MedGen C2931038, MONDO:0015278, OMIM 260350.
Hereditary breast ovarian cancer syndrome. Also called: Hereditary breast and ovarian cancer syndrome; Hereditary breast and ovarian cancer; Hereditary breast and ovarian cancer syndrome (HBOC); Breast and ovarian cancer; Hereditary breast and/or ovarian cancer syndrome; BRCA1- and BRCA2-Associated Hereditary Breast and Ovarian Cancer. Identifiers: Orphanet 145, MedGen C0677776, MeSH D061325, MONDO:0003582. Disease mechanism: loss of function.
Familial cancer of breast. Also called: BREAST CANCER, FAMILIAL; hereditary breast carcinoma; Hereditary breast cancer. Identifiers: Orphanet 227535, MedGen C0346153, MONDO:0016419, OMIM 114480. Disease mechanism: loss of function.
Hereditary cancer-predisposing syndrome. Also called: Tumor predisposition; Hereditary neoplastic syndrome; Neoplastic Syndromes, Hereditary; Hereditary Cancer Syndrome. Identifiers: Orphanet 140162, MedGen C0027672, MeSH D009386, MONDO:0015356.

gnomAD v4.1: 9 of 1,613,470 alleles (0.00056%); highest among the groups gnomAD compares: East Asian, 0.02%; no homozygotes.

Submissions (10):

Women's Health and Genetics/Laboratory Corporation of America, LabCorp
Classification: Uncertain significance. Last evaluated: 2026-06-01. Review status: criteria provided, single submitter. Criteria: LabCorp Variant Classification Summary - May 2015. Collection method: clinical testing. Allele origin: germline.
Comment: Variant summary: PALB2 c.25C>T (p.Leu9Phe) results in a non-conservative amino acid change in the encoded protein sequence. Algorithms developed to predict the effect of missense changes on protein structure and function are either unavailable or do not agree on the potential impact of this missense change. The variant was absent in 247890 control chromosomes (gnomAD). The available data on variant occurrences in the general population are insufficient to allow any conclusion about variant significance. c.25C>T has been observed in individuals affected with breast cancer, pancreatic cancer, or biliary tract cancer, as well as unaffected controls (e.g. Momozawa_2018, Yin_2022, Okawa_2023). These reports do not provide unequivocal conclusions about association of the variant with disease. To our knowledge, no experimental evidence demonstrating an impact on protein function has been reported. The following publications have been ascertained in the context of this evaluation (PMID: 30287823, 36243179, 35171259). ClinVar contains an entry for this variant (Variation ID: 410124). Based on the evidence outlined above, the variant was classified as uncertain significance.

Labcorp Genetics (formerly Invitae), Labcorp
Classification: Uncertain significance for Familial cancer of breast. Last evaluated: 2024-04-30. Review status: criteria provided, single submitter. Criteria: Invitae Variant Classification Sherloc (09022015). Collection method: clinical testing. Allele origin: germline.
Comment: This sequence change replaces leucine, which is neutral and non-polar, with phenylalanine, which is neutral and non-polar, at codon 9 of the PALB2 protein (p.Leu9Phe). This variant is not present in population databases (gnomAD no frequency). This missense change has been observed in individual(s) with PALB2-related cancer (PMID: 30287823, 35171259). ClinVar contains an entry for this variant (Variation ID: 410124). An algorithm developed to predict the effect of missense changes on protein structure and function (PolyPhen-2) suggests that this variant is likely to be disruptive. In summary, the available evidence is currently insufficient to determine the role of this variant in disease. Therefore, it has been classified as a Variant of Uncertain Significance.

Ambry Genetics
Classification: Uncertain significance for Hereditary cancer-predisposing syndrome. Last evaluated: 2024-01-25. Review status: criteria provided, single submitter. Criteria: Ambry Variant Classification Scheme 2023. Collection method: clinical testing. Allele origin: germline.
Comment: The p.L9F variant (also known as c.25C>T), located in coding exon 1 of the PALB2 gene, results from a C to T substitution at nucleotide position 25. The leucine at codon 9 is replaced by phenylalanine, an amino acid with highly similar properties. This alteration has been reported with a carrier frequency of 0.00071 in 7051 unselected breast cancer patients and 0.00107 in 11241 female controls of Japanese ancestry (Momozawa Y et al. Nat Commun, 2018 10;9:4083). This alteration was also identified in 1 of 1009 patients amongst a cohort of Chinese patients with a personal history of pancreatic ductal adenocarcinoma (Yin L et al. JAMA Netw Open, 2022 Feb;5:e2148721). This amino acid position is highly conserved in available vertebrate species. In addition, this alteration is predicted to be tolerated by in silico analysis. Based on the available evidence, the clinical significance of this alteration remains unclear.

Baylor Genetics
Classification: Uncertain significance for Familial cancer of breast. Last evaluated: 2023-11-22. Review status: criteria provided, single submitter. Criteria: ACMG Guidelines, 2015. Collection method: clinical testing. Allele origin: unknown.

Myriad Genetics, Inc.
Classification: Uncertain significance for Familial cancer of breast. Last evaluated: 2023-03-30. Review status: criteria provided, single submitter. Criteria: Myriad Autosomal Dominant, Autosomal Recessive and X-Linked Classification Criteria (2023). Collection method: clinical testing. Allele origin: unknown.
Comment: This variant is classified as a variant of uncertain significance as there is insufficient evidence to determine its impact on protein function and/or cancer risk.

Department of Pathology and Laboratory Medicine, Sinai Health System
Classification: Uncertain significance for Familial pancreatic carcinoma. Last evaluated: 2023-02-01. Review status: criteria provided, single submitter. Criteria: ACMG Guidelines, 2015. Collection method: clinical testing. Allele origin: germline. Affected: yes.

GeneDx
Classification: Uncertain significance. Last evaluated: 2020-10-06. Review status: criteria provided, single submitter. Criteria: GeneDx Variant Classification Process June 2021. Collection method: clinical testing. Allele origin: germline. Affected: yes.
Comment: Reported as a variant of uncertain significance in the published literature; identified in Japanese individuals with breast cancer as well as Japanese control individuals in a case-control study (Momozawa et al., 2018); In silico analysis supports that this missense variant does not alter protein structure/function; Not observed in large population cohorts (Lek et al., 2016); This variant is associated with the following publications: (PMID: 32566746, 30287823)

Cancer Genomics Group, Japanese Foundation For Cancer Research
Classification: Uncertain significance for Hereditary breast and ovarian cancer syndrome. Last evaluated: 2019-05-01. Review status: criteria provided, single submitter. Criteria: ACMG Guidelines, 2015. Collection method: research. Allele origin: germline. Affected: yes.

Leiden Open Variation Database
Classification: Uncertain significance. Last evaluated: 2018-10-10. Review status: no assertion criteria provided. Collection method: curation. Allele origin: germline. Affected: yes. Not counted in ClinVar's aggregate classification.
Comment: Curators: Marc Tischkowitz, Arleen D. Auerbach. Submitter to LOVD: Yukihide Momozawa.

Counsyl
Classification: Uncertain significance for Familial cancer of breast. Last evaluated: 2018-06-05. Review status: no assertion criteria provided. Collection method: clinical testing. Allele origin: unknown. Not counted in ClinVar's aggregate classification.

Literature cited by the submitters: PubMed 30287823 (cited by 5 submitters); PubMed 35171259 (cited by 3 submitters); PubMed 36243179 (cited by Women's Health and Genetics/Laboratory Corporation of America, LabCorp).

NM_024675.4(PALB2):c.25C>T (p.Leu9Phe)

Gene: PALB2 (partner and localizer of BRCA2; minus strand). Cytogenetic location: 16p12.2.
Variant type: single nucleotide variant.
Coding change: c.25C>T on transcript NM_024675.4 (MANE Select); coding-DNA position 25, C replaced by T.
Protein change: p.Leu9Phe; replaces leucine 9 with phenylalanine.
Molecular consequence: missense variant.
Genome position (GRCh38, 1-based): chr16:23,641,133, G>A on the plus strand (C>T on the coding strand, the complement: PALB2 is on the minus strand). VCF-style: chr16-23641133-G-A. GRCh37 (hg19) VCF-style: chr16-23652454-G-A.
Other names: short protein forms L9F.
Identifiers: ClinVar variation 410124 (VCV000410124.25), dbSNP rs1060502744, ClinGen allele CA16614884.